The following is an entry in ClinVar:

NM_000238.4(KCNH2):c.881G>T (p.Gly294Val)

Gene: KCNH2 (potassium voltage-gated channel subfamily H member 2; minus strand). Cytogenetic location: 7q36.1.
Variant type: single nucleotide variant.
Coding change: c.881G>T on transcript NM_000238.4 (MANE Select); coding-DNA position 881, G replaced by T.
Protein change: p.Gly294Val; replaces glycine 294 with valine.
Molecular consequence: missense variant.
Genome position (GRCh38, 1-based): chr7:150,958,094, C>A on the plus strand (G>T on the coding strand, the complement: KCNH2 is on the minus strand). VCF-style: chr7-150958094-C-A. GRCh37 (hg19) VCF-style: chr7-150655182-C-A.
Other names: c.593G>T, p.Gly198Val (NM_001406753.1, NM_001406756.1); c.704G>T, p.Gly235Val (NM_001406755.1); c.581G>T, p.Gly194Val (NM_001406757.1); c.881G>T, p.Gly294Val (NM_172056.3); c.881G>T (LRG_288t1); short protein forms G294V, G194V, G198V, G235V.
Identifiers: ClinVar variation 67539 (VCV000067539.9), dbSNP rs199473549, ClinGen allele CA008949.

ClinVar aggregate classification (germline): Uncertain significance. Review status: criteria provided, multiple submitters, no conflicts (2 of 4 stars). 3 submissions from 3 submitters: Uncertain significance (2). 1 of the submissions does not count toward it. Last evaluated 2024-06-11.

Conditions:
Long QT syndrome 2 (LQT2). Identifiers: Orphanet 101016, Orphanet 768, MedGen C3150943, MONDO:0013367, OMIM 613688.
Short QT syndrome type 1. Identifiers: Orphanet 51083, MedGen C1865020, MONDO:0012312, OMIM 609620.
Long QT syndrome (LQTS). Identifiers: MedGen C0023976, MeSH D008133, MONDO:0002442. Disease mechanism: loss of function. Inheritance: Various modes of inheritance.
SUDDEN INFANT DEATH SYNDROME (SIDS). Also called: Sudden Infant Death. Identifiers: MedGen C0038644, MeSH D013398, OMIM 272120.

gnomAD v4.1: 2 of 1,287,614 alleles (0.00016%); highest among the groups gnomAD compares: Middle Eastern, 0.03%; no homozygotes.

Submissions (3):

Labcorp Genetics (formerly Invitae), Labcorp
Classification: Uncertain significance for Long QT syndrome. Last evaluated: 2024-06-11. Review status: criteria provided, single submitter. Criteria: Invitae Variant Classification Sherloc (09022015). Collection method: clinical testing. Allele origin: germline.
Comment: This sequence change replaces glycine, which is neutral and non-polar, with valine, which is neutral and non-polar, at codon 294 of the KCNH2 protein (p.Gly294Val). This variant is not present in population databases (gnomAD no frequency). This missense change has been observed in individual(s) with clinical features of KCNH2-related conditions (PMID: 15913580). ClinVar contains an entry for this variant (Variation ID: 67539). An algorithm developed to predict the effect of missense changes on protein structure and function (PolyPhen-2) suggests that this variant is likely to be tolerated. Experimental studies have shown that this missense change does not substantially affect KCNH2 function (PMID: 29752375). In summary, the available evidence is currently insufficient to determine the role of this variant in disease. Therefore, it has been classified as a Variant of Uncertain Significance.

Fulgent Genetics
Classification: Uncertain significance for Short QT syndrome type 1; Long QT syndrome 2. Last evaluated: 2021-07-20. Review status: criteria provided, single submitter. Criteria: ACMG Guidelines, 2015. Collection method: clinical testing. Allele origin: unknown.

Cardiovascular Biomedical Research Unit, Royal Brompton & Harefield NHS Foundation Trust
No classification provided. Condition: SUDDEN INFANT DEATH SYNDROME. Review status: no classification provided. Collection method: literature only. Allele origin: germline. Not counted in ClinVar's aggregate classification.
Comment: This variant has been reported as associated with Sudden infant death syndrome in the following publications (PMID:15913580). This is a literature report, and does not necessarily reflect the clinical interpretation of the Imperial College / Royal Brompton Cardiovascular Genetics laboratory.

Literature cited by the submitters: PubMed 15913580 (cited by Labcorp Genetics (formerly Invitae), Labcorp and Cardiovascular Biomedical Research Unit, Royal Brompton & Harefield NHS Foundation Trust); PubMed 29752375 (cited by Labcorp Genetics (formerly Invitae), Labcorp); PubMed 22581653 (cited by Cardiovascular Biomedical Research Unit, Royal Brompton & Harefield NHS Foundation Trust).